The following is an entry in ClinVar:

NM_005068.3(SIM1):c.1793C>G (p.Ala598Gly)

Gene: SIM1 (SIM bHLH transcription factor 1; minus strand). Cytogenetic location: 6q16.3.
Variant type: single nucleotide variant.
Coding change: c.1793C>G on transcript NM_005068.3 (MANE Select); coding-DNA position 1793, C replaced by G.
Protein change: p.Ala598Gly; replaces alanine 598 with glycine.
Molecular consequence: missense variant.
Genome position (GRCh38, 1-based): chr6:100,390,869, G>C on the plus strand (C>G on the coding strand, the complement: SIM1 is on the minus strand). VCF-style: chr6-100390869-G-C. GRCh37 (hg19) VCF-style: chr6-100838745-G-C.
Other names: c.1793C>G, p.Ala598Gly (NM_001374769.1); short protein forms A598G.
Identifiers: ClinVar variation 713941 (VCV000713941.7), dbSNP rs199641634, ClinGen allele CA3936939.

ClinVar aggregate classification (germline): Likely benign. Review status: criteria provided, single submitter (1 of 4 stars). 2 submissions from 2 submitters: Likely benign (1). 1 of the submissions does not count toward it. Last evaluated 2025-01-01.

Conditions:
SIM1-related disorder. Also called: SIM1-related condition; SIM1-related disorders.

Allele frequency attached by ClinVar (database versions not stated): ExAC 0.00027; gnomAD 0.00008 and 0.00009; 1000 Genomes Project 30x 0.00016; TOPMed 0.00017; 1000 Genomes Project 0.00020; gnomAD exomes 0.00025.
gnomAD v4.1: 110 of 1,614,144 alleles (0.0068%); highest among the groups gnomAD compares: East Asian, 0.23%; no homozygotes.

Submissions (2):

Labcorp Genetics (formerly Invitae), Labcorp
Classification: Likely benign. Last evaluated: 2025-01-01. Review status: criteria provided, single submitter. Criteria: Invitae Variant Classification Sherloc (09022015). Collection method: clinical testing. Allele origin: germline.

PreventionGenetics, part of Exact Sciences
Classification: Likely benign for SIM1-related condition. Last evaluated: 2024-05-16. Review status: no assertion criteria provided. Collection method: clinical testing. Allele origin: germline. Not counted in ClinVar's aggregate classification.
Comment: This variant is classified as likely benign based on ACMG/AMP sequence variant interpretation guidelines (Richards et al. 2015 PMID: 25741868, with internal and published modifications).